The following is an entry in ClinVar:

NM_004281.4(BAG3):c.1118G>C (p.Cys373Ser)

Gene: BAG3 (BAG cochaperone 3; plus strand). Cytogenetic location: 10q26.11.
Variant type: single nucleotide variant.
Coding change: c.1118G>C on transcript NM_004281.4 (MANE Select); coding-DNA position 1118, G replaced by C.
Protein change: p.Cys373Ser; replaces cysteine 373 with serine.
Molecular consequence: missense variant.
Genome position (GRCh38, 1-based): chr10:119,676,672, G>C. VCF-style: chr10-119676672-G-C. GRCh37 (hg19) VCF-style: chr10-121436184-G-C.
Other names: short protein forms C373S.
Identifiers: ClinVar variation 539159 (VCV000539159.8), dbSNP rs876657745, ClinGen allele CA378296668.
Genomic context (GRCh38, chr10:119,676,672, plus strand): 5'-AGAAGCCCCCACCTCCCTCTGAGAAGGTAGAGGTGAAAGTTCCCCCTGCTCCAGTTCCTT[G>C]TCCTCCTCCCAGCCCTGGCCCTTCTGCTGTCCCCTCTTCCCCCAAGAGTGTGGCTACAGA-3'
Protein context (NP_004272.2, residues 363-383): EVKVPPAPVP[Cys373Ser]PPPSPGPSAV

ClinVar aggregate classification (germline): Uncertain significance (1 of 4 stars; one submission).

Conditions:
Myofibrillar myopathy 6. Identifiers: Orphanet 199340, MedGen C2751831, MONDO:0013061, OMIM 612954.
Dilated cardiomyopathy 1HH (CMD1HH). Identifiers: Orphanet 154, MedGen C3151293, MONDO:0013479, OMIM 613881.

Submission:

Labcorp Genetics (formerly Invitae), Labcorp
Classification: Uncertain significance for Dilated cardiomyopathy 1HH; Myofibrillar myopathy 6. Last evaluated: 2022-10-03. Review status: criteria provided, single submitter. Criteria: Invitae Variant Classification Sherloc (09022015). Collection method: clinical testing. Allele origin: germline.
Comment: Advanced modeling of protein sequence and biophysical properties (such as structural, functional, and spatial information, amino acid conservation, physicochemical variation, residue mobility, and thermodynamic stability) performed at Invitae indicates that this missense variant is not expected to disrupt BAG3 protein function. ClinVar contains an entry for this variant (Variation ID: 539159). This variant has not been reported in the literature in individuals affected with BAG3-related conditions. This variant is not present in population databases (gnomAD no frequency). This sequence change replaces cysteine, which is neutral and slightly polar, with serine, which is neutral and polar, at codon 373 of the BAG3 protein (p.Cys373Ser). In summary, the available evidence is currently insufficient to determine the role of this variant in disease. Therefore, it has been classified as a Variant of Uncertain Significance.